The following is an entry in ClinVar:

ClinVar aggregate classification (germline): Uncertain significance (1 of 4 stars; one submission).

Conditions:
Hereditary cancer-predisposing syndrome. Also called: Neoplastic Syndromes, Hereditary; Tumor predisposition; Hereditary Cancer Syndrome; Hereditary neoplastic syndrome. Identifiers: Orphanet 140162, MedGen C0027672, MeSH D009386, MONDO:0015356.

Submission:

Ambry Genetics
Classification: Uncertain significance for Hereditary cancer-predisposing syndrome. Last evaluated: 2026-02-20. Review status: criteria provided, single submitter. Criteria: Ambry Variant Classification Scheme 2023. Collection method: clinical testing. Allele origin: germline.
Comment: The p.G289C variant (also known as c.865G>T), located in coding exon 4 of the MSH6 gene, results from a G to T substitution at nucleotide position 865. The glycine at codon 289 is replaced by cysteine, an amino acid with highly dissimilar properties. This amino acid position is conserved. In addition, the in silico prediction for this alteration is inconclusive. Based on the available evidence, the clinical significance of this variant remains unclear.

NM_000179.3(MSH6):c.865G>T (p.Gly289Cys)

Gene: MSH6 (mutS homolog 6; plus strand). Cytogenetic location: 2p16.3.
Variant type: single nucleotide variant.
Coding change: c.865G>T on transcript NM_000179.3 (MANE Select); coding-DNA position 865, G replaced by T.
Protein change: p.Gly289Cys; replaces glycine 289 with cysteine.
Molecular consequence: missense variant. On other transcripts: non-coding transcript variant (4), intron variant (1), 5 prime UTR variant (9).
Genome position (GRCh38, 1-based): chr2:47,798,848, G>T. VCF-style: chr2-47798848-G-T. GRCh37 (hg19) VCF-style: chr2-48025987-G-T.
Other names: c.628-1818G>T (NM_001407362.1); c.475G>T, p.Gly159Cys (NM_001281492.2); c.-42G>T (NM_001281493.2, NM_001281494.2, NM_001406811.1 and 6 more transcripts); c.961G>T, p.Gly321Cys (NM_001406795.1, NM_001406802.1); c.865G>T, p.Gly289Cys (NM_001406796.1, NM_001406798.1, NM_001406800.1 and 4 more transcripts); c.568G>T, p.Gly190Cys (NM_001406797.1, NM_001406801.1, NM_001406805.1 and 10 more transcripts); c.340G>T, p.Gly114Cys (NM_001406799.1, NM_001406806.1, NM_001406807.1); c.787G>T, p.Gly263Cys (NM_001406804.1); and 2 more; short protein forms G321C, G190C, G114C, G233C, G263C, G289C, G159C, G291C.
Identifiers: ClinVar variation 4825271 (VCV004825271.1).
Genomic context (GRCh38, chr2:47,798,848, plus strand): 5'-ACTAAGGAGGAAGGAAGCAGTGATGAAATAAGCAGTGGAGTGGGGGATAGTGAGAGTGAA[G>T]GCCTGAACAGCCCTGTCAAAGTTGCTCGAAAGCGGAAGAGAATGGTGACTGGAAATGGCT-3'
Protein context (NP_000170.1, residues 279-299): SSGVGDSESE[Gly289Cys]LNSPVKVARK